The following is an entry in ClinVar:

NM_000051.4(ATM):c.7089+7T>C

Genes: ATM (ATM serine/threonine kinase; plus strand), C11orf65 (chromosome 11 open reading frame 65; minus strand). Cytogenetic location: 11q22.3.
Variant type: single nucleotide variant.
Coding change: c.7089+7T>C on transcript NM_000051.4 (MANE Select); 7 bases into the intron after coding-DNA position 7089, T replaced by C.
Molecular consequence: intron variant.
Genome position (GRCh38, 1-based): chr11:108,327,765, T>C. VCF-style: chr11-108327765-T-C. GRCh37 (hg19) VCF-style: chr11-108198492-T-C.
Other names: c.7089+7T>C (NM_001351834.2); c.641-18694A>G (NM_001330368.2); c.*38+7455A>G (NM_001351110.2).
Identifiers: ClinVar variation 509033 (VCV000509033.3), dbSNP rs1404350048, ClinGen allele CA658797765.

ClinVar aggregate classification (germline): Likely benign (1 of 4 stars; one submission).

gnomAD v4.1: 2 of 1,600,352 alleles (0.00012%); highest among the groups gnomAD compares: South Asian, 0.0011%; no homozygotes.

Submission:

GeneDx
Classification: Likely benign. Last evaluated: 2017-04-16. Review status: criteria provided, single submitter. Criteria: GeneDx Variant Classification (06012015). Collection method: clinical testing. Allele origin: germline. Affected: yes.
Comment: This variant is considered likely benign or benign based on one or more of the following criteria: it is a conservative change, it occurs at a poorly conserved position in the protein, it is predicted to be benign by multiple in silico algorithms, and/or has population frequency not consistent with disease.